The following is an entry in ClinVar:

NM_031935.3(HMCN1):c.2764C>A (p.Arg922Ser)

Gene: HMCN1 (hemicentin 1; plus strand). Cytogenetic location: 1q31.1.
Variant type: single nucleotide variant.
Coding change: c.2764C>A on transcript NM_031935.3 (MANE Select); coding-DNA position 2764, C replaced by A.
Protein change: p.Arg922Ser; replaces arginine 922 with serine.
Molecular consequence: missense variant.
Genome position (GRCh38, 1-based): chr1:185,982,363, C>A. VCF-style: chr1-185982363-C-A. GRCh37 (hg19) VCF-style: chr1-185951495-C-A.
Other names: short protein forms R922S.
Identifiers: ClinVar variation 1418038 (VCV001418038.6), dbSNP rs371598243, ClinGen allele CA33467352.

ClinVar aggregate classification (germline): Uncertain significance (1 of 4 stars; one submission).

gnomAD v4.1: 9 of 1,613,098 alleles (0.00056%); highest among the groups gnomAD compares: Non-Finnish European, 0.00068%; no homozygotes.

Submission:

Labcorp Genetics (formerly Invitae), Labcorp
Classification: Uncertain significance. Last evaluated: 2022-11-28. Review status: criteria provided, single submitter. Criteria: Invitae Variant Classification Sherloc (09022015). Collection method: clinical testing. Allele origin: germline.
Comment: This sequence change replaces arginine, which is basic and polar, with serine, which is neutral and polar, at codon 922 of the HMCN1 protein (p.Arg922Ser). This variant is present in population databases (no rsID available, gnomAD 0.003%). This variant has not been reported in the literature in individuals affected with HMCN1-related conditions. ClinVar contains an entry for this variant (Variation ID: 1418038). Algorithms developed to predict the effect of missense changes on protein structure and function are either unavailable or do not agree on the potential impact of this missense change (SIFT: "Deleterious"; PolyPhen-2: "Probably Damaging"; Align-GVGD: "Class C0"). In summary, the available evidence is currently insufficient to determine the role of this variant in disease. Therefore, it has been classified as a Variant of Uncertain Significance.